The following is an entry in ClinVar:

ClinVar aggregate classification (germline): Likely benign (1 of 4 stars; one submission).

Submission:

CeGaT Center for Human Genetics Tuebingen
Classification: Likely benign. Last evaluated: 2026-09-01. Review status: criteria provided, single submitter. Criteria: CeGaT Center For Human Genetics Tuebingen Variant Classification Criteria Version 2. Collection method: clinical testing. Allele origin: germline. Affected: yes. Observed: 1 variant allele.
Comment: SLC35B2: BP4, BP7

NM_178148.4(SLC35B2):c.84G>A (p.Pro28=)

Gene: SLC35B2 (solute carrier family 35 member B2; minus strand). Cytogenetic location: 6p21.1.
Variant type: single nucleotide variant.
Coding change: c.84G>A on transcript NM_178148.4 (MANE Select); coding-DNA position 84, G replaced by A.
Protein change: p.Pro28=; no amino-acid change (proline 28 retained).
Molecular consequence: synonymous variant. On other transcripts: missense variant (2), 5 prime UTR variant (4), intron variant (2).
Genome position (GRCh38, 1-based): chr6:44,256,806, C>T on the plus strand (G>A on the coding strand, the complement: SLC35B2 is on the minus strand). VCF-style: chr6-44256806-C-T. GRCh37 (hg19) VCF-style: chr6-44224543-C-T.
Other names: c.73G>A, p.Gly25Arg (NM_001286509.2, NM_001286510.2); c.-64G>A (NM_001286511.2, NM_001286512.2); c.-41G>A (NM_001286513.2); c.-320G>A (NM_001286520.2); c.-40+594G>A (NM_001286519.2); c.-110-310G>A (NM_001286517.2); short protein forms G25R.
Identifiers: ClinVar variation 5040831 (VCV005040831.1).
Genomic context (GRCh38, chr6:44,256,806, plus strand): 5'-GCTGGCATAGCCAGCAGCATTCACCACAAATCGGAAGAACCATAGCTGGGTCCATGACTC[C>T]GGAGGGGCTTCGGGAGTCTCCCCACCTGCCCCTAGGGAGGGGAACGCAGCCAGCACCACC-3'
Protein context (NP_835361.1, residues 18-38): GAGGETPEAP[Pro28=]ESWTQLWFFR